The following is an entry in ClinVar:

ClinVar aggregate classification (germline): Uncertain significance (1 of 4 stars; one submission).

Allele frequency attached by ClinVar (database versions not stated): TOPMed below 0.00001.
gnomAD v4.1: 2 of 1,614,078 alleles (0.00012%); highest among the groups gnomAD compares: Non-Finnish European, 0.00017%; no homozygotes.

Submission:

GeneDx
Classification: Uncertain significance. Last evaluated: 2019-08-14. Review status: criteria provided, single submitter. Criteria: GeneDx Variant Classification Process June 2021. Collection method: clinical testing. Allele origin: germline. Affected: yes.
Comment: Not observed in large population cohorts (Lek et al., 2016); In silico analysis, which includes protein predictors and evolutionary conservation, supports a deleterious effect; Has not been previously published as pathogenic or benign to our knowledge

NM_152564.5(VPS13B):c.7145A>C (p.Gln2382Pro)

Gene: VPS13B (vacuolar protein sorting 13 homolog B; plus strand). Cytogenetic location: 8q22.2.
Variant type: single nucleotide variant.
Coding change: c.7145A>C on transcript NM_152564.5 (MANE Select); coding-DNA position 7145, A replaced by C.
Protein change: p.Gln2382Pro; replaces glutamine 2382 with proline.
Molecular consequence: missense variant.
Genome position (GRCh38, 1-based): chr8:99,766,868, A>C. VCF-style: chr8-99766868-A-C. GRCh37 (hg19) VCF-style: chr8-100779096-A-C.
Other names: c.7220A>C, p.Gln2407Pro (NM_017890.5); short protein forms Q2382P, Q2407P.
Identifiers: ClinVar variation 1307477 (VCV001307477.2), dbSNP rs780959088, ClinGen allele CA371874264.